The following is an entry in ClinVar:

NM_002291.3(LAMB1):c.2365G>A (p.Gly789Arg)

Gene: LAMB1 (laminin subunit beta 1; minus strand). Cytogenetic location: 7q31.1.
Variant type: single nucleotide variant.
Coding change: c.2365G>A on transcript NM_002291.3 (MANE Select); coding-DNA position 2365, G replaced by A.
Protein change: p.Gly789Arg; replaces glycine 789 with arginine.
Molecular consequence: missense variant.
Genome position (GRCh38, 1-based): chr7:107,959,784, C>T on the plus strand (G>A on the coding strand, the complement: LAMB1 is on the minus strand). VCF-style: chr7-107959784-C-T. GRCh37 (hg19) VCF-style: chr7-107600229-C-T.
Other names: short protein forms G789R.
Identifiers: ClinVar variation 3619208 (VCV003619208.2).

ClinVar aggregate classification (germline): Uncertain significance (1 of 4 stars; one submission).

gnomAD v4.1: 39 of 1,613,910 alleles (0.0024%); highest among the groups gnomAD compares: African/African-American, 0.004%; no homozygotes.

Submission:

Labcorp Genetics (formerly Invitae), Labcorp
Classification: Uncertain significance. Last evaluated: 2024-09-23. Review status: criteria provided, single submitter. Criteria: Invitae Variant Classification Sherloc (09022015). Collection method: clinical testing. Allele origin: germline.
Comment: This sequence change replaces glycine, which is neutral and non-polar, with arginine, which is basic and polar, at codon 789 of the LAMB1 protein (p.Gly789Arg). This variant is present in population databases (rs571848559, gnomAD 0.01%). This variant has not been reported in the literature in individuals affected with LAMB1-related conditions. An algorithm developed to predict the effect of missense changes on protein structure and function (PolyPhen-2) suggests that this variant is likely to be disruptive. In summary, the available evidence is currently insufficient to determine the role of this variant in disease. Therefore, it has been classified as a Variant of Uncertain Significance.